The following is an entry in ClinVar:

NM_003036.4(SKI):c.898C>T (p.Leu300Phe)

Gene: SKI (SKI proto-oncogene; plus strand). Cytogenetic location: 1p36.33.
Variant type: single nucleotide variant.
Coding change: c.898C>T on transcript NM_003036.4 (MANE Select); coding-DNA position 898, C replaced by T.
Protein change: p.Leu300Phe; replaces leucine 300 with phenylalanine.
Molecular consequence: missense variant.
Genome position (GRCh38, 1-based): chr1:2,229,664, C>T. VCF-style: chr1-2229664-C-T. GRCh37 (hg19) VCF-style: chr1-2161103-C-T.
Other names: short protein forms L300F.
Identifiers: ClinVar variation 648597 (VCV000648597.15), dbSNP rs1569660908, ClinGen allele CA337956329.
Genomic context (GRCh38, chr1:2,229,664, plus strand): 5'-AACTGGCGGGCCTACATCCTGCTGAGCCAGGATTACACGGGCAAGGAGGAGCAGGCGCGC[C>T]TCGGCCGCTGCCTGGACGACGTGAAGGAGAAATTCGACTATGGCAACAAGTACAAGCGGC-3'
Protein context (NP_003027.1, residues 290-310): DYTGKEEQAR[Leu300Phe]GRCLDDVKEK

ClinVar aggregate classification (germline): Conflicting classifications of pathogenicity. Review status: criteria provided, conflicting classifications (1 of 4 stars). 4 submissions from 4 submitters: Uncertain significance (3); Likely benign (1). Last evaluated 2025-05-14.

Conditions:
Shprintzen-Goldberg syndrome (SGS). Also called: SHPRINTZEN-GOLDBERG CRANIOSYNOSTOSIS SYNDROME; CRANIOSYNOSTOSIS WITH ARACHNODACTYLY AND ABDOMINAL HERNIAS; Marfanoid disorder with craniosynostosis type 1; Marfanoid craniosynostosis syndrome; Shprintzen-Goldberg marfanoid syndrome. Identifiers: Orphanet 2462, MedGen C1321551, MONDO:0008426, OMIM 182212.
Autism spectrum disorder. Also called: Autism spectrum disorders. Identifiers: MedGen C1510586, MeSH D000067877, MONDO:0005258.
Familial thoracic aortic aneurysm and aortic dissection (TAAD). Also called: Thoracic aortic aneurysms and dissections. Identifiers: Orphanet 91387, MedGen C4707243, MONDO:0019625.

Allele frequency attached by ClinVar (database versions not stated): gnomAD exomes 0.00002; TOPMed below 0.00001.
gnomAD v4.1: 26 of 1,610,320 alleles (0.0016%); highest among the groups gnomAD compares: Non-Finnish European, 0.0021%; no homozygotes.

Submissions (4):

Ambry Genetics
Classification: Uncertain significance for Familial thoracic aortic aneurysm and aortic dissection. Last evaluated: 2025-05-14. Review status: criteria provided, single submitter. Criteria: Ambry Variant Classification Scheme 2023. Collection method: clinical testing. Allele origin: germline.

Department of Genetics, Rouen University Hospital, Normandy Center for Genomic and Personalized Medicine
Classification: Likely benign for Autism spectrum disorder. Last evaluated: 2021-08-18. Review status: criteria provided, single submitter. Criteria: ACMG Guidelines, 2015. Collection method: clinical testing. Allele origin: paternal. Affected: yes.

GeneDx
Classification: Uncertain significance. Last evaluated: 2019-06-26. Review status: criteria provided, single submitter. Criteria: GeneDx Variant Classification Process June 2021. Collection method: clinical testing. Allele origin: germline. Affected: yes.
Comment: Has not been previously published as pathogenic or benign to our knowledge; Not observed in large population cohorts (Lek et al., 2016); In silico analysis, which includes protein predictors and evolutionary conservation, supports that this variant does not alter protein structure/function

Labcorp Genetics (formerly Invitae), Labcorp
Classification: Uncertain significance for Shprintzen-Goldberg syndrome. Last evaluated: 2018-11-15. Review status: criteria provided, single submitter. Criteria: Invitae Variant Classification Sherloc (09022015). Collection method: clinical testing. Allele origin: germline.
Comment: In summary, the available evidence is currently insufficient to determine the role of this variant in disease. Therefore, it has been classified as a Variant of Uncertain Significance. Algorithms developed to predict the effect of missense changes on protein structure and function are either unavailable or do not agree on the potential impact of this missense change (SIFT: "Deleterious"; PolyPhen-2: "Probably Damaging"; Align-GVGD: "Class C0"). This variant has not been reported in the literature in individuals with SKI-related disease. This variant is not present in population databases (ExAC no frequency). This sequence change replaces leucine with phenylalanine at codon 300 of the SKI protein (p.Leu300Phe). The leucine residue is moderately conserved and there is a small physicochemical difference between leucine and phenylalanine.